The following is an entry in ClinVar:

NM_000760.4(CSF3R):c.2360A>G (p.Tyr787Cys)

Gene: CSF3R (colony stimulating factor 3 receptor; minus strand). Cytogenetic location: 1p34.3.
Variant type: single nucleotide variant.
Coding change: c.2360A>G on transcript NM_000760.4 (MANE Select); coding-DNA position 2360, A replaced by G.
Protein change: p.Tyr787Cys; replaces tyrosine 787 with cysteine.
Molecular consequence: missense variant. On other transcripts: intron variant (1).
Genome position (GRCh38, 1-based): chr1:36,466,508, T>C on the plus strand (A>G on the coding strand, the complement: CSF3R is on the minus strand). VCF-style: chr1-36466508-T-C. GRCh37 (hg19) VCF-style: chr1-36932109-T-C.
Other names: c.2441A>G, p.Tyr814Cys (NM_156039.3); c.2247+113A>G (NM_172313.3); c.2360A>G (NM_000760.3); short protein forms Y814C, Y787C.
Identifiers: ClinVar variation 1407680 (VCV001407680.10), dbSNP rs150281231, ClinGen allele CA768906.

ClinVar aggregate classification (germline): Uncertain significance. Review status: criteria provided, multiple submitters, no conflicts (2 of 4 stars). 2 submissions from 2 submitters: Uncertain significance (2). Last evaluated 2025-05-14.

Conditions:
Autosomal recessive severe congenital neutropenia due to CSF3R deficiency. Also called: Neutropenia, severe congenital, 7, autosomal recessive. Identifiers: Orphanet 420702, MedGen C4310764, MONDO:0014865, OMIM 617014.
Inborn genetic diseases. Identifiers: MedGen C0950123, MeSH D030342.

Allele frequency attached by ClinVar (database versions not stated): ExAC 0.00001; gnomAD exomes 0.00001 and 0.00002; gnomAD 0.00002 and 0.00003; TOPMed 0.00003; 1000 Genomes Project 30x 0.00016; 1000 Genomes Project 0.00020.

Submissions (2):

Labcorp Genetics (formerly Invitae), Labcorp
Classification: Uncertain significance for Autosomal recessive severe congenital neutropenia due to CSF3R deficiency. Last evaluated: 2025-05-14. Review status: criteria provided, single submitter. Criteria: Invitae Variant Classification Sherloc (09022015). Collection method: clinical testing. Allele origin: germline.
Comment: This sequence change replaces tyrosine, which is neutral and polar, with cysteine, which is neutral and slightly polar, at codon 787 of the CSF3R protein (p.Tyr787Cys). This variant is present in population databases (rs150281231, gnomAD 0.007%). This variant has not been reported in the literature in individuals affected with CSF3R-related conditions. ClinVar contains an entry for this variant (Variation ID: 1407680). An algorithm developed to predict the effect of missense changes on protein structure and function (PolyPhen-2) suggests that this variant is likely to be disruptive. In summary, the available evidence is currently insufficient to determine the role of this variant in disease. Therefore, it has been classified as a Variant of Uncertain Significance.

Ambry Genetics
Classification: Uncertain significance for Inborn genetic diseases. Last evaluated: 2025-02-26. Review status: criteria provided, single submitter. Criteria: Ambry Variant Classification Scheme 2023. Collection method: clinical testing. Allele origin: germline.